The following is an entry in ClinVar:

NM_139027.6(ADAMTS13):c.2218G>A (p.Glu740Lys)

Gene: ADAMTS13 (ADAM metallopeptidase with thrombospondin type 1 motif 13; plus strand). Cytogenetic location: 9q34.2.
Variant type: single nucleotide variant.
Coding change: c.2218G>A on transcript NM_139027.6 (MANE Select); coding-DNA position 2218, G replaced by A.
Protein change: p.Glu740Lys; replaces glutamic acid 740 with lysine.
Molecular consequence: missense variant.
Genome position (GRCh38, 1-based): chr9:133,442,727, G>A. VCF-style: chr9-133442727-G-A. GRCh37 (hg19) VCF-style: chr9-136307848-G-A.
Other names: c.2218G>A, p.Glu740Lys (NM_139025.5); c.2125G>A, p.Glu709Lys (NM_139026.6); short protein forms E740K, E709K.
Identifiers: ClinVar variation 262434 (VCV000262434.38), dbSNP rs36221451, ClinGen allele CA10587037.

ClinVar aggregate classification (germline): Benign/Likely benign. Review status: criteria provided, multiple submitters, no conflicts (2 of 4 stars). 5 submissions from 5 submitters: Benign (4); Likely benign (1). Last evaluated 2026-01-28.

Allele frequency attached by ClinVar (database versions not stated): gnomAD exomes 0.00271; ExAC 0.00342; gnomAD 0.01055 and 0.01123; TOPMed 0.01158; 1000 Genomes Project 0.01198; ESP Exome Variant Server 0.01199; 1000 Genomes Project 30x 0.01374.
gnomAD v4.1: 3,140 of 1,612,788 alleles (0.19%); highest among the groups gnomAD compares: African/African-American, 3.6%; 70 homozygotes.

Submissions (5):

Labcorp Genetics (formerly Invitae), Labcorp
Classification: Benign. Last evaluated: 2026-01-28. Review status: criteria provided, single submitter. Criteria: Invitae Variant Classification Sherloc (09022015). Collection method: clinical testing. Allele origin: germline.

Mayo Clinic Laboratories, Mayo Clinic
Classification: Benign. Last evaluated: 2024-11-05. Review status: criteria provided, single submitter. Criteria: ACMG Guidelines, 2015. Collection method: clinical testing. Allele origin: germline. Observed: 66 variant alleles.
Comment: BS1, BS2, BP4

CeGaT Center for Human Genetics Tuebingen
Classification: Benign. Last evaluated: 2024-11-01. Review status: criteria provided, single submitter. Criteria: CeGaT Center For Human Genetics Tuebingen Variant Classification Criteria Version 2. Collection method: clinical testing. Allele origin: germline. Affected: yes. Observed: 2 variant alleles.
Comment: ADAMTS13: BP4, BS1, BS2

Breakthrough Genomics
Classification: Likely benign. Review status: criteria provided, single submitter. Criteria: ACMG Guidelines, 2015. Collection method: not provided. Allele origin: germline. Inheritance: Autosomal recessive inheritance. Affected: yes.

PreventionGenetics, part of Exact Sciences
Classification: Benign. Review status: criteria provided, single submitter. Criteria: ACMG Guidelines, 2015. Collection method: clinical testing. Allele origin: germline.

Literature cited by the submitters: PubMed 30046676 (cited by Mayo Clinic Laboratories, Mayo Clinic).